The following is an entry in ClinVar:

ClinVar aggregate classification (germline): Uncertain significance. Review status: criteria provided, multiple submitters, no conflicts (2 of 4 stars). 5 submissions from 5 submitters: Uncertain significance (5). Last evaluated 2025-08-09.

Conditions:
Progressive microcephaly-seizures-cortical blindness-developmental delay syndrome. Also called: Seizures, cortical blindness, and microcephaly syndrome. Identifiers: Orphanet 477814, MedGen C5567650, MONDO:0014714, OMIM 616632.
Autosomal dominant nonsyndromic hearing loss 1. Also called: KONIGSMARK SYNDROME; DEAFNESS, AUTOSOMAL DOMINANT 1, WITH OR WITHOUT THROMBOCYTOPENIA. Identifiers: Orphanet 90635, MedGen C1852282, MONDO:0007424, OMIM 124900.

Allele frequency attached by ClinVar (database versions not stated): gnomAD 0.00004 and 0.00005; gnomAD exomes 0.00007 and 0.00010; ExAC 0.00008; ESP Exome Variant Server 0.00008; TOPMed 0.00008.
gnomAD v4.1: 159 of 1,611,718 alleles (0.0099%); highest among the groups gnomAD compares: East Asian, 0.02%; no homozygotes.

Submissions (5):

Labcorp Genetics (formerly Invitae), Labcorp
Classification: Uncertain significance for Progressive microcephaly-seizures-cortical blindness-developmental delay syndrome; Autosomal dominant nonsyndromic hearing loss 1. Last evaluated: 2025-08-09. Review status: criteria provided, single submitter. Criteria: Invitae Variant Classification Sherloc (09022015). Collection method: clinical testing. Allele origin: germline.
Comment: This sequence change replaces glycine, which is neutral and non-polar, with arginine, which is basic and polar, at codon 734 of the DIAPH1 protein (p.Gly734Arg). This variant is present in population databases (rs374788809, gnomAD 0.03%). This missense change has been observed in individual(s) with non-syndromic sensorineural hearing loss (PMID: 23804846, 26011067). ClinVar contains an entry for this variant (Variation ID: 351288). Experimental studies and prediction algorithms are not available or were not evaluated, and the functional significance of this variant is currently unknown. Algorithms developed to predict the effect of sequence changes on RNA splicing suggest that this variant may create or strengthen a splice site. In summary, the available evidence is currently insufficient to determine the role of this variant in disease. Therefore, it has been classified as a Variant of Uncertain Significance.

GeneDx
Classification: Uncertain significance. Last evaluated: 2024-08-12. Review status: criteria provided, single submitter. Criteria: GeneDx Variant Classification Process June 2021. Collection method: clinical testing. Allele origin: germline. Affected: yes.
Comment: Identified in two individuals with sensorineural hearing loss in the published literature, one of whom also had variants in multiple other genes that may have been responsible for the phenotype (PMID: 23804846, 26011067); In silico analysis supports that this missense variant has a deleterious effect on protein structure/function; In silico analysis suggests this variant may impact gene splicing. In the absence of RNA/functional studies, the actual effect of this sequence change is unknown.; This variant is associated with the following publications: (PMID: 23804846, 26011067)

Blueprint Genetics
Classification: Uncertain significance. Last evaluated: 2023-11-06. Review status: criteria provided, single submitter. Criteria: ACMG Guidelines, 2015. Collection method: clinical testing. Allele origin: germline.

Illumina Laboratory Services, Illumina
Classification: Uncertain significance for Autosomal dominant nonsyndromic hearing loss 1. Last evaluated: 2018-01-13. Review status: criteria provided, single submitter. Criteria: ICSL Variant Classification Criteria 13 December 2019. Collection method: clinical testing. Allele origin: germline.

Laboratory for Molecular Medicine, Mass General Brigham Personalized Medicine
Classification: Uncertain significance. Last evaluated: 2016-10-06. Review status: criteria provided, single submitter. Criteria: LMM Criteria. Collection method: clinical testing. Allele origin: germline. Observed: 1 variant allele.
Comment: The p.Gly734Arg variant in DIAPH1 has been previously been reported in two indiv iduals with hearing loss (Chen 2015, Shearer 2013); however, it has also been id entified in 7/61284 European chromosomes and 2/7736 East Asian chromosomes by th e Exome Aggregation Consortium (ExAC; dbSNP rs37 4788809). Computational prediction tools and conservation analyses suggest that this variant may impact the protein, though this information is not predictive enough to determine pathogenicity. In summary, the clinical significance of the p.Gly734Arg variant is uncertain.

Literature cited by the submitters: PubMed 23804846 (cited by Labcorp Genetics (formerly Invitae), Labcorp and Laboratory for Molecular Medicine, Mass General Brigham Personalized Medicine); PubMed 26011067 (cited by Labcorp Genetics (formerly Invitae), Labcorp and Laboratory for Molecular Medicine, Mass General Brigham Personalized Medicine).

NM_005219.5(DIAPH1):c.2200G>A (p.Gly734Arg)

Gene: DIAPH1 (diaphanous related formin 1; minus strand). Cytogenetic location: 5q31.3.
Variant type: single nucleotide variant.
Coding change: c.2200G>A on transcript NM_005219.5 (MANE Select); coding-DNA position 2200, G replaced by A.
Protein change: p.Gly734Arg; replaces glycine 734 with arginine.
Molecular consequence: missense variant.
Genome position (GRCh38, 1-based): chr5:141,573,650, C>T on the plus strand (G>A on the coding strand, the complement: DIAPH1 is on the minus strand). VCF-style: chr5-141573650-C-T. GRCh37 (hg19) VCF-style: chr5-140953217-C-T.
Other names: c.2173G>A, p.Gly725Arg (NM_001079812.3); c.2200G>A, p.Gly734Arg (NM_001314007.2); short protein forms G734R, G725R.
Identifiers: ClinVar variation 351288 (VCV000351288.16), dbSNP rs374788809, ClinGen allele CA3479135.